The following is an entry in ClinVar:

ClinVar aggregate classification (germline): Uncertain significance (1 of 4 stars; one submission).

gnomAD v4.1: 1 of 1,591,142 alleles (0.000063%); highest among the groups gnomAD compares: Admixed American, 0.0018%; no homozygotes.

Submission:

Ambry Genetics
Classification: Uncertain significance. Last evaluated: 2025-06-19. Review status: criteria provided, single submitter. Criteria: Ambry Variant Classification Scheme 2023. Collection method: clinical testing. Allele origin: germline.
Comment: The p.T490S variant (also known as c.1469C>G), located in coding exon 10 of the RINT1 gene, results from a C to G substitution at nucleotide position 1469. The threonine at codon 490 is replaced by serine, an amino acid with similar properties. This amino acid position is conserved. In addition, the in silico prediction for this alteration is inconclusive. Based on the available evidence, the clinical significance of this variant remains unclear.

NM_021930.6(RINT1):c.1469C>G (p.Thr490Ser)

Gene: RINT1 (RAD50 interactor 1; plus strand). Cytogenetic location: 7q22.3.
Variant type: single nucleotide variant.
Coding change: c.1469C>G on transcript NM_021930.6 (MANE Select); coding-DNA position 1469, C replaced by G.
Protein change: p.Thr490Ser; replaces threonine 490 with serine.
Molecular consequence: missense variant. On other transcripts: non-coding transcript variant (1).
Genome position (GRCh38, 1-based): chr7:105,551,705, C>G. VCF-style: chr7-105551705-C-G. GRCh37 (hg19) VCF-style: chr7-105192152-C-G.
Other names: c.1235C>G, p.Thr412Ser (NM_001346599.2); c.446C>G, p.Thr149Ser (NM_001346600.2, NM_001346603.2); c.545C>G, p.Thr182Ser (NM_001346601.2); short protein forms T149S, T182S, T490S, T412S.
Identifiers: ClinVar variation 4154596 (VCV004154596.1).